The following is an entry in ClinVar:

ClinVar aggregate classification (germline): Pathogenic (0 of 4 stars; one submission).

Conditions:
Hypohidrotic X-linked ectodermal dysplasia (XHED). Also called: ECTODERMAL DYSPLASIA 1; Ectodermal Dysplasia 1, Anhidrotic; ECTODERMAL DYSPLASIA, HYPOHIDROTIC, 1; CST SYNDROME; Anhidrotic ectodermal dysplasia X-linked; Christ Siemens Touraine syndrome. Identifiers: Orphanet 181, Orphanet 238468, MedGen C0162359, MONDO:0010585, OMIM 305100.

Submission:

Department of Pediatric and Adolescent Medicine, University of Erlangen
Classification: Pathogenic for Hypohidrotic X-linked ectodermal dysplasia. Last evaluated: 2025-01-07. Review status: no assertion criteria provided. Collection method: clinical testing. Allele origin: germline. Affected: yes.

NM_001399.5(EDA):c.527G>T (p.Gly176Val)

Gene: EDA (ectodysplasin A; plus strand). Cytogenetic location: Xq13.1.
Variant type: single nucleotide variant.
Coding change: c.527G>T on transcript NM_001399.5 (MANE Select); coding-DNA position 527, G replaced by T.
Protein change: p.Gly176Val; replaces glycine 176 with valine.
Molecular consequence: missense variant.
Genome position (GRCh38, 1-based): chrX:70,027,857, G>T. VCF-style: chrX-70027857-G-T. GRCh37 (hg19) VCF-style: chrX-69247707-G-T.
Other names: c.527G>T, p.Gly176Val (NM_001440761.1, NM_001440762.1, NM_001005609.2 and 1 more transcripts); short protein forms G176V.
Identifiers: ClinVar variation 4884869 (VCV004884869.1).